The following is an entry in ClinVar:

NM_007194.4(CHEK2):c.1097T>C (p.Ile366Thr)

Gene: CHEK2 (checkpoint kinase 2; minus strand). Cytogenetic location: 22q12.1.
Variant type: single nucleotide variant.
Coding change: c.1097T>C on transcript NM_007194.4 (MANE Select); coding-DNA position 1097, T replaced by C.
Protein change: p.Ile366Thr; replaces isoleucine 366 with threonine.
Molecular consequence: missense variant.
Genome position (GRCh38, 1-based): chr22:28,695,872, A>G on the plus strand (T>C on the coding strand, the complement: CHEK2 is on the minus strand). VCF-style: chr22-28695872-A-G. GRCh37 (hg19) VCF-style: chr22-29091860-A-G.
Other names: c.1226T>C, p.Ile409Thr (NM_001005735.3); c.434T>C, p.Ile145Thr (NM_001257387.3); c.896T>C, p.Ile299Thr (NM_001349956.3); c.1010T>C, p.Ile337Thr (NM_145862.3); short protein forms I366T, I409T, I145T, I337T, I299T.
Identifiers: ClinVar variation 185403 (VCV000185403.15), dbSNP rs786202147, ClinGen allele CA191836.

ClinVar aggregate classification (germline): Uncertain significance. Review status: criteria provided, multiple submitters, no conflicts (2 of 4 stars). 2 submissions from 2 submitters: Uncertain significance (2). Last evaluated 2024-05-01.

Conditions:
Hereditary cancer-predisposing syndrome. Also called: Hereditary neoplastic syndrome; Neoplastic Syndromes, Hereditary; Tumor predisposition; Hereditary Cancer Syndrome. Identifiers: Orphanet 140162, MedGen C0027672, MeSH D009386, MONDO:0015356.
Familial cancer of breast. Also called: BREAST CANCER, FAMILIAL; Hereditary breast cancer; hereditary breast carcinoma. Identifiers: Orphanet 227535, MedGen C0346153, MONDO:0016419, OMIM 114480. Disease mechanism: loss of function.

Submissions (2):

Labcorp Genetics (formerly Invitae), Labcorp
Classification: Uncertain significance for Familial cancer of breast. Last evaluated: 2024-05-01. Review status: criteria provided, single submitter. Criteria: Invitae Variant Classification Sherloc (09022015). Collection method: clinical testing. Allele origin: germline.
Comment: This sequence change replaces isoleucine, which is neutral and non-polar, with threonine, which is neutral and polar, at codon 366 of the CHEK2 protein (p.Ile366Thr). This variant is not present in population databases (gnomAD no frequency). This variant has not been reported in the literature in individuals affected with CHEK2-related conditions. ClinVar contains an entry for this variant (Variation ID: 185403). An algorithm developed to predict the effect of missense changes on protein structure and function (PolyPhen-2) suggests that this variant is likely to be disruptive. In summary, the available evidence is currently insufficient to determine the role of this variant in disease. Therefore, it has been classified as a Variant of Uncertain Significance.

Ambry Genetics
Classification: Uncertain significance for Hereditary cancer-predisposing syndrome. Last evaluated: 2014-07-07. Review status: criteria provided, single submitter. Criteria: Ambry Variant Classification Scheme 2023. Collection method: clinical testing. Allele origin: germline.
Comment: The p.I366T variant (also known as c.1097T>C), located in coding exon 10 of the CHEK2 gene, results from a T to C substitution at nucleotide position 1097. The isoleucine at codon 366 is replaced by threonine, an amino acid with similar properties. This variant was not reported in population based cohorts in the following databases: Database of Single Nucleotide Polymorphisms (dbSNP), NHLBI Exome Sequencing Project (ESP), and 1000 Genomes Project. In the ESP, this variant was not observed in 6494 samples (12988 alleles) with coverage at this position. To date, this alteration has been detected with an allele frequency of approximately 0.006% (greater than 16000 alleles tested) in our clinical cohort (includes this individual). This amino acid position is well conserved in available vertebrate species. In addition, this alteration is predicted to be probably damaging and deleterious by PolyPhen and SIFT in silico analyses, respectively. Since supporting evidence is limited at this time, the clinical significance of p.I366T remains unclear.